The following is an entry in ClinVar:

NM_018429.3(BDP1):c.6413-4T>C

Gene: BDP1 (BDP1 general transcription factor IIIB subunit; plus strand). Cytogenetic location: 5q13.2.
Variant type: single nucleotide variant.
Coding change: c.6413-4T>C on transcript NM_018429.3 (MANE Select); 4 bases into the intron before coding-DNA position 6413, T replaced by C.
Molecular consequence: intron variant.
Genome position (GRCh38, 1-based): chr5:71,544,353, T>C. VCF-style: chr5-71544353-T-C. GRCh37 (hg19) VCF-style: chr5-70840180-T-C.
Identifiers: ClinVar variation 3036613 (VCV003036613.2), dbSNP rs756262265, ClinGen allele CA3297238.

ClinVar aggregate classification (germline): Likely benign (0 of 4 stars; one submission).

Conditions:
BDP1-related disorder. Also called: BDP1-related condition.

Allele frequency attached by ClinVar (database versions not stated): TOPMed below 0.00001; gnomAD 0.00001; gnomAD exomes 0.00001; ExAC 0.00002.
gnomAD v4.1: 27 of 1,606,910 alleles (0.0017%); highest among the groups gnomAD compares: East Asian, 0.0045%; no homozygotes.

Submission:

PreventionGenetics, part of Exact Sciences
Classification: Likely benign for BDP1-related condition. Last evaluated: 2020-10-06. Review status: no assertion criteria provided. Collection method: clinical testing. Allele origin: germline.
Comment: This variant is classified as likely benign based on ACMG/AMP sequence variant interpretation guidelines (Richards et al. 2015 PMID: 25741868, with internal and published modifications).